The following is an entry in ClinVar:

ClinVar aggregate classification (germline): Benign. Review status: criteria provided, multiple submitters, no conflicts (2 of 4 stars). 2 submissions from 2 submitters: Benign (2). Last evaluated 2018-01-12.

Conditions:
Autosomal recessive omodysplasia (OMOD1). Also called: MICROMELIC DYSPLASIA, CONGENITAL, WITH DISLOCATION OF RADIUS. Identifiers: Orphanet 2733, Orphanet 93329, MedGen C1850318, MONDO:0009779, OMIM 258315.

Allele frequency attached by ClinVar (database versions not stated): 1000 Genomes Project 0.04972; 1000 Genomes Project 30x 0.05247; gnomAD 0.05806 and 0.05872; TOPMed 0.05834.

Submissions (2):

Illumina Laboratory Services, Illumina
Classification: Benign for Autosomal recessive omodysplasia. Last evaluated: 2018-01-12. Review status: criteria provided, single submitter. Criteria: ICSL Variant Classification Criteria 13 December 2019. Collection method: clinical testing. Allele origin: germline.
Comment: This variant was observed in the ICSL laboratory as part of a predisposition screen in an ostensibly healthy population. It had not been previously curated by ICSL or reported in the Human Gene Mutation Database (HGMD: prior to June 1st, 2018), and was therefore a candidate for classification through an automated scoring system. Utilizing variant allele frequency, disease prevalence and penetrance estimates, and inheritance mode, an automated score was calculated to assess if this variant is too frequent to cause the disease. Based on the score and internal cut-off values, a variant classified as benign is not then subjected to further curation. The score for this variant resulted in a classification of benign for this disease.

Breakthrough Genomics
Classification: Benign. Review status: criteria provided, single submitter. Criteria: ACMG Guidelines, 2015. Collection method: not provided. Allele origin: germline. Inheritance: Autosomal recessive inheritance. Affected: yes.

NM_005708.5(GPC6):c.*4066A>C

Gene: GPC6 (glypican 6; plus strand). Cytogenetic location: 13q32.1.
Variant type: single nucleotide variant.
Coding change: c.*4066A>C on transcript NM_005708.5 (MANE Select); 4066 bases downstream of the stop codon, A replaced by C.
Molecular consequence: 3 prime UTR variant.
Genome position (GRCh38, 1-based): chr13:94,407,283, A>C. VCF-style: chr13-94407283-A-C. GRCh37 (hg19) VCF-style: chr13-95059537-A-C.
Identifiers: ClinVar variation 312604 (VCV000312604.6), dbSNP rs41275872, ClinGen allele CA10643794.